The following is an entry in ClinVar:

ClinVar aggregate classification (germline): Uncertain significance (1 of 4 stars; one submission).

Submission:

CeGaT Center for Human Genetics Tuebingen
Classification: Uncertain significance. Last evaluated: 2025-11-01. Review status: criteria provided, single submitter. Criteria: CeGaT Center For Human Genetics Tuebingen Variant Classification Criteria Version 2. Collection method: clinical testing. Allele origin: germline. Affected: yes. Observed: 1 variant allele.
Comment: AFF3: PM4:Supporting

NM_001386135.1(AFF3):c.2056GAG[1] (p.Glu687del)

Gene: AFF3 (ALF transcription elongation factor 3; minus strand). Cytogenetic location: 2q11.2.
Variant type: Microsatellite.
Coding change: c.2056GAG[1] on transcript NM_001386135.1 (MANE Select); one copy of the 3-base unit GAG starting at c.2056; the reference has two copies in a row; one copy, 3 bases deleted.
Protein change: p.Glu687del; deletes glutamic acid 687.
Molecular consequence: inframe deletion.
Genome position (GRCh38, 1-based): chr2:99,593,600-99,593,602, CTC deleted on the plus strand (GAG on the coding strand, the reverse complement: AFF3 is on the minus strand); deleting any 3 consecutive bases within chr2:99,593,600-99,593,607 gives the same sequence; the position shown is the placement nearest the transcript's 3' end. VCF-style (leftmost placement, unchanged base first): chr2-99593599-ACTC-A. GRCh37 (hg19) VCF-style: chr2-100210061-ACTC-A.
Other names: c.2131GAG[1], p.Glu712del (NM_001025108.2); c.2056GAG[1], p.Glu687del (NM_002285.3); short protein forms E687del, E712del.
Identifiers: ClinVar variation 4534331 (VCV004534331.6).